The following is an entry in ClinVar:

ClinVar aggregate classification (germline): Pathogenic (1 of 4 stars; one submission).

Conditions:
Catecholaminergic polymorphic ventricular tachycardia 1. Also called: RYR2-Related Catecholaminergic Polymorphic Ventricular Tachycardia; VENTRICULAR TACHYCARDIA, CATECHOLAMINERGIC POLYMORPHIC, 1, WITH OR WITHOUT ATRIAL DYSFUNCTION AND/OR DILATED CARDIOMYOPATHY; VENTRICULAR TACHYCARDIA, STRESS-INDUCED POLYMORPHIC 1. Identifiers: Orphanet 3286, MedGen C1631597, MONDO:0011484, OMIM 604772.

Allele frequency attached by ClinVar (database versions not stated): gnomAD exomes below 0.00001; TOPMed below 0.00001.

Submission:

Labcorp Genetics (formerly Invitae), Labcorp
Classification: Pathogenic for Catecholaminergic polymorphic ventricular tachycardia 1. Last evaluated: 2024-04-30. Review status: criteria provided, single submitter. Criteria: Invitae Variant Classification Sherloc (09022015). Collection method: clinical testing. Allele origin: germline.
Comment: This sequence change affects the initiator methionine of the CASQ2 mRNA. The next in-frame methionine is located at codon 93. This variant is present in population databases (no rsID available, gnomAD 0.007%). This variant has not been reported in the literature in individuals affected with CASQ2-related conditions. This variant disrupts a region of the CASQ2 protein in which other variant(s) (p.Arg33Gln) have been determined to be pathogenic (PMID: 16601229, 17881003, 18469084, 18583715, 20353949, 21063088, 21265816, 31482657, 32693635). This suggests that this is a clinically significant region of the protein, and that variants that disrupt it are likely to be disease-causing. For these reasons, this variant has been classified as Pathogenic.

Literature cited by the submitters: PubMed 16601229; PubMed 17881003; PubMed 18469084; PubMed 18583715; PubMed 20353949; PubMed 21063088; PubMed 21265816; PubMed 31482657; PubMed 32693635.

NM_001232.4(CASQ2):c.3G>A (p.Met1Ile)

Gene: CASQ2 (calsequestrin 2; minus strand). Cytogenetic location: 1p13.1.
Variant type: single nucleotide variant.
Coding change: c.3G>A on transcript NM_001232.4 (MANE Select); coding-DNA position 3, G replaced by A.
Protein change: p.Met1Ile; changes the start codon (methionine 1).
Molecular consequence: missense variant, initiator codon variant.
Genome position (GRCh38, 1-based): chr1:115,768,539, C>T on the plus strand (G>A on the coding strand, the complement: CASQ2 is on the minus strand). VCF-style: chr1-115768539-C-T. GRCh37 (hg19) VCF-style: chr1-116311160-C-T.
Other names: short protein forms M1I.
Identifiers: ClinVar variation 2811031 (VCV002811031.3), dbSNP rs1334439048, ClinGen allele CA341767474.
Genomic context (GRCh38, chr1:115,768,539, plus strand): 5'-CTCTTCTGCCCTGCAAGAGGACAGAAAATAAATCCCCACAATAAACAAGTGAGTTCTCTT[C>T]ATTTGGGAAAACTTTTGTTTCTCGTTCCCAAATATGCTGTGTGCAGAATAGAGGACAGAA-3'
Protein context (NP_001223.2, residues 1-11): [Met1Ile]KRTHLFIVGI